The following is an entry in ClinVar:

ClinVar aggregate classification (germline): Uncertain significance (1 of 4 stars; one submission).

gnomAD v4.1: 5 of 1,613,982 alleles (0.00031%); highest among the groups gnomAD compares: African/African-American, 0.0013%; no homozygotes.

Submission:

Labcorp Genetics (formerly Invitae), Labcorp
Classification: Uncertain significance. Last evaluated: 2024-09-19. Review status: criteria provided, single submitter. Criteria: Invitae Variant Classification Sherloc (09022015). Collection method: clinical testing. Allele origin: germline.
Comment: This sequence change replaces proline, which is neutral and non-polar, with serine, which is neutral and polar, at codon 197 of the PCK2 protein (p.Pro197Ser). This variant is not present in population databases (gnomAD no frequency). This variant has not been reported in the literature in individuals affected with PCK2-related conditions. Invitae Evidence Modeling of protein sequence and biophysical properties (such as structural, functional, and spatial information, amino acid conservation, physicochemical variation, residue mobility, and thermodynamic stability) indicates that this missense variant is not expected to disrupt PCK2 protein function with a negative predictive value of 80%. In summary, the available evidence is currently insufficient to determine the role of this variant in disease. Therefore, it has been classified as a Variant of Uncertain Significance.

NM_004563.4(PCK2):c.589C>T (p.Pro197Ser)

Genes: NRL (neural retina leucine zipper; minus strand), PCK2 (phosphoenolpyruvate carboxykinase 2, mitochondrial; plus strand). Cytogenetic location: 14q11.2.
Variant type: single nucleotide variant.
Coding change: c.589C>T on transcript NM_004563.4 (MANE Select); coding-DNA position 589, C replaced by T.
Protein change: p.Pro197Ser; replaces proline 197 with serine.
Molecular consequence: missense variant. On other transcripts: intron variant (3).
Genome position (GRCh38, 1-based): chr14:24,098,603, C>T. VCF-style: chr14-24098603-C-T. GRCh37 (hg19) VCF-style: chr14-24567812-C-T.
Other names: c.-27-15728G>A (NM_001354768.3, NM_001354770.2); c.187C>T, p.Pro63Ser (NM_001291556.2, NM_001308054.2); c.-253-13858G>A (NM_006177.5); c.589C>T, p.Pro197Ser (NM_001018073.3); short protein forms P197S, P63S.
Identifiers: ClinVar variation 3621811 (VCV003621811.2).